The following is an entry in ClinVar:

NM_001195305.3(BBIP1):c.-7G>A

Gene: BBIP1 (BBSome interacting protein 1; minus strand). Cytogenetic location: 10q25.2.
Variant type: single nucleotide variant.
Coding change: c.-7G>A on transcript NM_001195305.3 (MANE Select); 7 bases upstream of the start codon, G replaced by A.
Molecular consequence: 5 prime UTR variant. On other transcripts: intron variant (1).
Genome position (GRCh38, 1-based): chr10:110,918,164, C>T on the plus strand (G>A on the coding strand, the complement: BBIP1 is on the minus strand). VCF-style: chr10-110918164-C-T. GRCh37 (hg19) VCF-style: chr10-112677922-C-T.
Other names: c.-7G>A (NM_001195304.2, NM_001195306.2, NM_001195307.2); c.-30+957G>A (NM_001243783.3).
Identifiers: ClinVar variation 3060682 (VCV003060682.2), dbSNP rs1007006316, ClinGen allele CA213257686.

ClinVar aggregate classification (germline): Likely benign (0 of 4 stars; one submission).

Conditions:
BBIP1-related disorder. Also called: BBIP1-related condition.

gnomAD v4.1: 23 of 1,535,380 alleles (0.0015%); highest among the groups gnomAD compares: African/African-American, 0.023%; no homozygotes.

Submission:

PreventionGenetics, part of Exact Sciences
Classification: Likely benign for BBIP1-related condition. Last evaluated: 2020-09-14. Review status: no assertion criteria provided. Collection method: clinical testing. Allele origin: germline.
Comment: This variant is classified as likely benign based on ACMG/AMP sequence variant interpretation guidelines (Richards et al. 2015 PMID: 25741868, with internal and published modifications).